The following is an entry in ClinVar:

NM_000136.3(FANCC):c.576C>T (p.Thr192=)

Genes: FANCC (FA complementation group C; minus strand), AOPEP (aminopeptidase O (putative); plus strand). Cytogenetic location: 9q22.32.
Variant type: single nucleotide variant.
Coding change: c.576C>T on transcript NM_000136.3 (MANE Select); coding-DNA position 576, C replaced by T.
Protein change: p.Thr192=; no amino-acid change (threonine 192 retained).
Molecular consequence: synonymous variant.
Genome position (GRCh38, 1-based): chr9:95,150,033, G>A on the plus strand (C>T on the coding strand, the complement: FANCC is on the minus strand). VCF-style: chr9-95150033-G-A. GRCh37 (hg19) VCF-style: chr9-97912315-G-A.
Other names: c.576C>T, p.Thr192= (NM_001243743.2, NM_001243744.2).
Identifiers: ClinVar variation 485555 (VCV000485555.15), dbSNP rs759392396, ClinGen allele CA5137688.

ClinVar aggregate classification (germline): Likely benign. Review status: criteria provided, multiple submitters, no conflicts (2 of 4 stars). 3 submissions from 3 submitters: Likely benign (3). Last evaluated 2024-01-09.

Conditions:
Hereditary cancer-predisposing syndrome. Also called: Tumor predisposition; Hereditary Cancer Syndrome; Hereditary neoplastic syndrome; Neoplastic Syndromes, Hereditary. Identifiers: Orphanet 140162, MedGen C0027672, MeSH D009386, MONDO:0015356.
Fanconi anemia (FA). Also called: Fanconi's anemia. Identifiers: Orphanet 84, MedGen C0015625, MeSH D005199, MONDO:0019391.

Allele frequency attached by ClinVar (database versions not stated): gnomAD exomes below 0.00001 and 0.00001; ExAC 0.00001; gnomAD 0.00001.
gnomAD v4.1: 10 of 1,613,998 alleles (0.00062%); highest among the groups gnomAD compares: Non-Finnish European, 0.00085%; no homozygotes.

Submissions (3):

Labcorp Genetics (formerly Invitae), Labcorp
Classification: Likely benign for Fanconi anemia. Last evaluated: 2024-01-09. Review status: criteria provided, single submitter. Criteria: Invitae Variant Classification Sherloc (09022015). Collection method: clinical testing. Allele origin: germline.

GeneDx
Classification: Likely benign. Last evaluated: 2018-04-25. Review status: criteria provided, single submitter. Criteria: GeneDx Variant Classification (06012015). Collection method: clinical testing. Allele origin: germline. Affected: yes.
Comment: This variant is considered likely benign or benign based on one or more of the following criteria: it is a conservative change, it occurs at a poorly conserved position in the protein, it is predicted to be benign by multiple in silico algorithms, and/or has population frequency not consistent with disease.

Ambry Genetics
Classification: Likely benign for Hereditary cancer-predisposing syndrome. Last evaluated: 2017-09-11. Review status: criteria provided, single submitter. Criteria: Ambry Variant Classification Scheme 2023. Collection method: clinical testing. Allele origin: germline.